The following is an entry in ClinVar:

NM_198129.4(LAMA3):c.9875G>A (p.Arg3292Lys)

Gene: LAMA3 (laminin subunit alpha 3; plus strand). Cytogenetic location: 18q11.2.
Variant type: single nucleotide variant.
Coding change: c.9875G>A on transcript NM_198129.4 (MANE Select); coding-DNA position 9875, G replaced by A.
Protein change: p.Arg3292Lys; replaces arginine 3292 with lysine.
Molecular consequence: missense variant.
Genome position (GRCh38, 1-based): chr18:23,954,521, G>A. VCF-style: chr18-23954521-G-A. GRCh37 (hg19) VCF-style: chr18-21534485-G-A.
Other names: c.5048G>A, p.Arg1683Lys (NM_000227.6); c.9707G>A, p.Arg3236Lys (NM_001127717.4); c.4880G>A, p.Arg1627Lys (NM_001127718.4); short protein forms R3292K, R1683K, R3236K, R1627K.
Identifiers: ClinVar variation 2754491 (VCV002754491.3), dbSNP rs2083045684, ClinGen allele CA402054003.

ClinVar aggregate classification (germline): Uncertain significance (1 of 4 stars; one submission).

Allele frequency attached by ClinVar (database versions not stated): gnomAD exomes below 0.00001.
gnomAD v4.1: 1 of 1,613,930 alleles (0.000062%); highest among the groups gnomAD compares: Non-Finnish European, 0.000085%; no homozygotes.

Submission:

Labcorp Genetics (formerly Invitae), Labcorp
Classification: Uncertain significance. Last evaluated: 2023-09-13. Review status: criteria provided, single submitter. Criteria: Invitae Variant Classification Sherloc (09022015). Collection method: clinical testing. Allele origin: germline.
Comment: Algorithms developed to predict the effect of missense changes on protein structure and function output the following: SIFT: "Not Available"; PolyPhen-2: "Benign"; Align-GVGD: "Not Available". The lysine amino acid residue is found in multiple mammalian species, which suggests that this missense change does not adversely affect protein function. In summary, the available evidence is currently insufficient to determine the role of this variant in disease. Therefore, it has been classified as a Variant of Uncertain Significance. This variant has not been reported in the literature in individuals affected with LAMA3-related conditions. This sequence change replaces arginine, which is basic and polar, with lysine, which is basic and polar, at codon 1683 of the LAMA3 protein (p.Arg1683Lys). This variant is not present in population databases (gnomAD no frequency).